The following is an entry in ClinVar:

NM_004260.4(RECQL4):c.2426G>A (p.Gly809Glu)

Gene: RECQL4 (RecQ like helicase 4; minus strand). Cytogenetic location: 8q24.3.
Variant type: single nucleotide variant.
Coding change: c.2426G>A on transcript NM_004260.4 (MANE Select); coding-DNA position 2426, G replaced by A.
Protein change: p.Gly809Glu; replaces glycine 809 with glutamic acid.
Molecular consequence: missense variant.
Genome position (GRCh38, 1-based): chr8:144,513,255, C>T on the plus strand (G>A on the coding strand, the complement: RECQL4 is on the minus strand). VCF-style: chr8-144513255-C-T. GRCh37 (hg19) VCF-style: chr8-145738638-C-T.
Other names: short protein forms G809E.
Identifiers: ClinVar variation 407006 (VCV000407006.22), dbSNP rs550469990, ClinGen allele CA4948296.

ClinVar aggregate classification (germline): Conflicting classifications of pathogenicity. Review status: criteria provided, conflicting classifications (1 of 4 stars). 8 submissions from 8 submitters: Uncertain significance (4); Benign (1); Likely benign (1). 2 of the submissions do not count toward it. Last evaluated 2026-01-26.

Conditions:
Inborn genetic diseases. Identifiers: MedGen C0950123, MeSH D030342.
RECQL4-related disorder. Also called: RECQL4-related condition; RECQL4-related disorders.
Rothmund-Thomson syndrome type 2 (RTS2). Identifiers: Orphanet 221016, MedGen C5203410, MONDO:0016369, OMIM 268400.
Hereditary cancer-predisposing syndrome. Also called: Hereditary neoplastic syndrome; Neoplastic Syndromes, Hereditary; Hereditary Cancer Syndrome; Tumor predisposition. Identifiers: Orphanet 140162, MedGen C0027672, MeSH D009386, MONDO:0015356.
Baller-Gerold syndrome (BGS). Also called: CRANIOSYNOSTOSIS WITH RADIAL DEFECTS. Identifiers: Orphanet 1225, MedGen C0265308, MONDO:0009039, OMIM 218600.

Allele frequency attached by ClinVar (database versions not stated): gnomAD exomes 0.00015 and 0.00033; 1000 Genomes Project 0.00020; ExAC 0.00029; 1000 Genomes Project 30x 0.00031; gnomAD 0.00036 and 0.00038; TOPMed 0.00074.
gnomAD v4.1: 297 of 1,590,480 alleles (0.019%); highest among the groups gnomAD compares: Admixed American, 0.098%; no homozygotes.

Submissions (8):

Labcorp Genetics (formerly Invitae), Labcorp
Classification: Benign for Baller-Gerold syndrome. Last evaluated: 2026-01-26. Review status: criteria provided, single submitter. Criteria: Invitae Variant Classification Sherloc (09022015). Collection method: clinical testing. Allele origin: germline.

GeneDx
Classification: Uncertain significance. Last evaluated: 2025-11-25. Review status: criteria provided, single submitter. Criteria: GeneDx Variant Classification Process June 2021. Collection method: clinical testing. Allele origin: germline. Affected: yes.
Comment: In silico analysis supports that this missense variant has a deleterious effect on protein structure/function; Has not been previously published as pathogenic or benign to our knowledge

Ambry Genetics
Classification: Uncertain significance for Inborn genetic diseases. Last evaluated: 2024-10-02. Review status: criteria provided, single submitter. Criteria: Ambry Variant Classification Scheme 2023. Collection method: clinical testing. Allele origin: germline.
Comment: The p.G809E variant (also known as c.2426G>A), located in coding exon 14 of the RECQL4 gene, results from a G to A substitution at nucleotide position 2426. The glycine at codon 809 is replaced by glutamic acid, an amino acid with similar properties. This amino acid position is conserved. In addition, the in silico prediction for this alteration is inconclusive. Based on the available evidence, the clinical significance of this variant remains unclear.

KCCC/NGS Laboratory, Kuwait Cancer Control Center
Classification: Likely benign for Rothmund-Thomson syndrome type 2. Last evaluated: 2023-07-07. Review status: criteria provided, single submitter. Criteria: ACMG Guidelines, 2015. Collection method: clinical testing. Allele origin: germline. Affected: yes.

Sema4
Classification: Uncertain significance for Hereditary cancer-predisposing syndrome. Last evaluated: 2021-10-15. Review status: criteria provided, single submitter. Criteria: Sema4 Curation Guidelines. Collection method: curation. Allele origin: germline.
Comment: The RECQL4 c.2426G>A (p.G809E) variant has not been reported in the literature to our knowledge. It was observed in 33/9656 chromosomes of the Ashkenazi Jewish subpopulation, no homozygotes, in the large and broad cohorts of the Genome Aggregation Database (PMID: 32461654). The variant has been reported in ClinVar (Variation ID 407006). This variant involves a highly conserved amino acid, and computational analyses do not provide strong support for or against an impact to the protein, though these predictions have not been confirmed by published functional studies. The evidence is insufficient to meet ACMG/AMP criteria for classifying the variant as benign or pathogenic. Thus, the clinical significance of this variant is currently uncertain.

St. Jude Molecular Pathology, St. Jude Children's Research Hospital
Classification: Uncertain significance for Rothmund-Thomson syndrome type 2. Last evaluated: 2021-03-04. Review status: criteria provided, single submitter. Criteria: St. Jude Assertion Criteria 2020. Collection method: clinical testing. Allele origin: germline.
Comment: The RECQL4 c.2426G>A (p.Gly809Glu) missense change is present in gnomAD at a maximum non-founder subpopulation frequency of 0.026% in gnomAD v2.1.1. In silico tools predict a deleterious effect of this variant on protein function (PP3), but to our knowledge these predictions have not been confirmed by functional assays. To our knowledge, this variant has not been reported in individuals with RECQL4-associated disorders. In summary, this variant meets criteria to be classified as of uncertain significance based on the ACMG/AMP criteria: PP3.

PreventionGenetics, part of Exact Sciences
Classification: Likely benign for RECQL4-related condition. Last evaluated: 2022-07-27. Review status: no assertion criteria provided. Collection method: clinical testing. Allele origin: germline. Not counted in ClinVar's aggregate classification.
Comment: This variant is classified as likely benign based on ACMG/AMP sequence variant interpretation guidelines (Richards et al. 2015 PMID: 25741868, with internal and published modifications).

Genetic Services Laboratory, University of Chicago
Classification: Uncertain significance. Last evaluated: 2022-07-23. Review status: no assertion criteria provided. Collection method: clinical testing. Allele origin: germline. Affected: no. Not counted in ClinVar's aggregate classification.
Comment: DNA sequence analysis of the RECQL4 gene demonstrated a sequence change, c.2426G>A, in exon 14 that results in an amino acid change, p.Gly809Glu. This sequence change does not appear to have been previously described in individuals with RECQL4-related disorders. This sequence change has been described in the gnomAD database with a frequency of 0.34% in the Ashkenazi Jewish subpopulation (dbSNP rs550469990). The p.Gly809Glu change affects a highly conserved amino acid residue located in a domain of the RECQL4 protein that is known to be functional. In-silico pathogenicity prediction tools (SIFT, PolyPhen2, Align GVGD, REVEL) provide contradictory results for the p.Gly809Glu substitution. Due to insufficient evidences and the lack of functional studies, the clinical significance of the p.Gly809Glu change remains unknown at this time. Homozygous or compound heterozygous pathogenic variants in RECQL4 have been identified in individuals with Baller-Gerold syndrome [OMIM #218600], which is characterized by craniosynostosis and radial aplasia. Biallelic pathogenic variants in RECQL4 are also associated with two additional overlapping conditions, Rothmund-Thompson syndrome [OMIM #268400] and RAPADILINO syndrome [OMIM #266280].